The following is an entry in ClinVar:

ClinVar aggregate classification (germline): Uncertain significance. Review status: criteria provided, multiple submitters, no conflicts (2 of 4 stars). 2 submissions from 2 submitters: Uncertain significance (2). Last evaluated 2025-08-12.

Conditions:
Mucopolysaccharidosis, MPS-III-A (MPS3A). Also called: HEPARAN SULFATE SULFATASE DEFICIENCY; SANFILIPPO SYNDROME A; SULFAMIDASE DEFICIENCY; MPS III A; Mucopolysaccharidosis, type IIIA; MUCOPOLYSACCHARIDOSIS, TYPE IIIA, ATTENUATED. Identifiers: Orphanet 581, Orphanet 79269, MedGen C0086647, MONDO:0009655, OMIM 252900.
Inborn genetic diseases. Identifiers: MedGen C0950123, MeSH D030342.

Allele frequency attached by ClinVar (database versions not stated): gnomAD 0.00003; TOPMed 0.00002; ExAC 0.00001.
gnomAD v4.1: 17 of 1,601,396 alleles (0.0011%); highest among the groups gnomAD compares: South Asian, 0.0022%; no homozygotes.

Submissions (2):

Ambry Genetics
Classification: Uncertain significance for Inborn genetic diseases. Last evaluated: 2025-08-12. Review status: criteria provided, single submitter. Criteria: Ambry Variant Classification Scheme 2023. Collection method: clinical testing. Allele origin: germline.

Labcorp Genetics (formerly Invitae), Labcorp
Classification: Uncertain significance for Mucopolysaccharidosis, MPS-III-A. Last evaluated: 2022-03-11. Review status: criteria provided, single submitter. Criteria: Invitae Variant Classification Sherloc (09022015). Collection method: clinical testing. Allele origin: germline.
Comment: This sequence change replaces proline, which is neutral and non-polar, with leucine, which is neutral and non-polar, at codon 48 of the SGSH protein (p.Pro48Leu). This variant is present in population databases (rs779581338, gnomAD 0.006%). This variant has not been reported in the literature in individuals affected with SGSH-related conditions. Algorithms developed to predict the effect of missense changes on protein structure and function are either unavailable or do not agree on the potential impact of this missense change (SIFT: "Deleterious"; PolyPhen-2: "Probably Damaging"; Align-GVGD: "Class C0"). In summary, the available evidence is currently insufficient to determine the role of this variant in disease. Therefore, it has been classified as a Variant of Uncertain Significance.

NM_000199.5(SGSH):c.143C>T (p.Pro48Leu)

Gene: SGSH (N-sulfoglucosamine sulfohydrolase; minus strand). Cytogenetic location: 17q25.3.
Variant type: single nucleotide variant.
Coding change: c.143C>T on transcript NM_000199.5 (MANE Select); coding-DNA position 143, C replaced by T.
Protein change: p.Pro48Leu; replaces proline 48 with leucine.
Molecular consequence: missense variant. On other transcripts: non-coding transcript variant (1).
Genome position (GRCh38, 1-based): chr17:80,217,138, G>A on the plus strand (C>T on the coding strand, the complement: SGSH is on the minus strand). VCF-style: chr17-80217138-G-A. GRCh37 (hg19) VCF-style: chr17-78190937-G-A.
Other names: c.143C>T (NM_000199.3); c.143C>T, p.Pro48Leu (NM_001352921.3, NM_001352922.2); short protein forms P48L.
Identifiers: ClinVar variation 2151000 (VCV002151000.2), dbSNP rs779581338, ClinGen allele CA8818160.